The following is an entry in ClinVar:

NM_025243.4(SLC19A3):c.979+182A>G

Gene: SLC19A3 (solute carrier family 19 member 3; minus strand). Cytogenetic location: 2q36.3.
Variant type: single nucleotide variant.
Coding change: c.979+182A>G on transcript NM_025243.4 (MANE Select); 182 bases into the intron after coding-DNA position 979, A replaced by G.
Molecular consequence: intron variant.
Genome position (GRCh38, 1-based): chr2:227,698,554, T>C on the plus strand (A>G on the coding strand, the complement: SLC19A3 is on the minus strand). VCF-style: chr2-227698554-T-C. GRCh37 (hg19) VCF-style: chr2-228563270-T-C.
Identifiers: ClinVar variation 673254 (VCV000673254.1), dbSNP rs112266944, ClinGen allele CA11219110.

ClinVar aggregate classification (germline): Benign (1 of 4 stars; one submission).

Allele frequency attached by ClinVar (database versions not stated): gnomAD 0.08365 and 0.08911; TOPMed 0.09376; 1000 Genomes Project 0.09525; 1000 Genomes Project 30x 0.10681.

Submission:

GeneDx
Classification: Benign. Last evaluated: 2018-06-14. Review status: criteria provided, single submitter. Criteria: GeneDx Variant Classification (06012015). Collection method: clinical testing. Allele origin: germline. Affected: yes.
Comment: This variant is considered likely benign or benign based on one or more of the following criteria: it is a conservative change, it occurs at a poorly conserved position in the protein, it is predicted to be benign by multiple in silico algorithms, and/or has population frequency not consistent with disease.